The following is an entry in ClinVar:

NM_031372.4(HNRNPDL):c.67G>A (p.Ala23Thr)

Gene: HNRNPDL (heterogeneous nuclear ribonucleoprotein D like; minus strand). Cytogenetic location: 4q21.22.
Variant type: single nucleotide variant.
Coding change: c.67G>A on transcript NM_031372.4 (MANE Select); coding-DNA position 67, G replaced by A.
Protein change: p.Ala23Thr; replaces alanine 23 with threonine.
Molecular consequence: missense variant. On other transcripts: non-coding transcript variant (1).
Genome position (GRCh38, 1-based): chr4:82,429,624, C>T on the plus strand (G>A on the coding strand, the complement: HNRNPDL is on the minus strand). VCF-style: chr4-82429624-C-T. GRCh37 (hg19) VCF-style: chr4-83350777-C-T.
Other names: c.67G>A, p.Ala23Thr (NM_001207000.1); short protein forms A23T.
Identifiers: ClinVar variation 1366757 (VCV001366757.8), dbSNP rs2110031997, ClinGen allele CA357173859.

ClinVar aggregate classification (germline): Uncertain significance (1 of 4 stars; one submission).

Conditions:
Autosomal dominant limb-girdle muscular dystrophy type 1G (LGMDD3). Also called: Limb-girdle muscular dystrophy, type 1G; MUSCULAR DYSTROPHY, LIMB-GIRDLE, AUTOSOMAL DOMINANT 3. Identifiers: Orphanet 55596, MedGen C1836765, MONDO:0012193, OMIM 609115.

Allele frequency attached by ClinVar (database versions not stated): gnomAD exomes 0.00001.

Submission:

Labcorp Genetics (formerly Invitae), Labcorp
Classification: Uncertain significance for Autosomal dominant limb-girdle muscular dystrophy type 1G. Last evaluated: 2025-04-27. Review status: criteria provided, single submitter. Criteria: Invitae Variant Classification Sherloc (09022015). Collection method: clinical testing. Allele origin: germline.
Comment: This sequence change replaces alanine, which is neutral and non-polar, with threonine, which is neutral and polar, at codon 23 of the HNRNPDL protein (p.Ala23Thr). This variant is not present in population databases (gnomAD no frequency). This variant has not been reported in the literature in individuals affected with HNRNPDL-related conditions. ClinVar contains an entry for this variant (Variation ID: 1366757). An algorithm developed to predict the effect of missense changes on protein structure and function (PolyPhen-2) suggests that this variant is likely to be disruptive. In summary, the available evidence is currently insufficient to determine the role of this variant in disease. Therefore, it has been classified as a Variant of Uncertain Significance.